The following is an entry in ClinVar:

ClinVar aggregate classification (germline): Conflicting classifications of pathogenicity. Review status: criteria provided, conflicting classifications (1 of 4 stars). 2 submissions from 2 submitters: Uncertain significance (1); Benign (1). Last evaluated 2025-08-04.

Allele frequency attached by ClinVar (database versions not stated): gnomAD exomes 0.00007; ExAC 0.00039; 1000 Genomes Project 0.00060; 1000 Genomes Project 30x 0.00062; gnomAD 0.00064; TOPMed 0.00094; ESP Exome Variant Server 0.00150.
gnomAD v4.1: 201 of 1,605,666 alleles (0.013%); highest among the groups gnomAD compares: African/African-American, 0.24%; no homozygotes.

Submissions (2):

Ambry Genetics
Classification: Uncertain significance. Last evaluated: 2025-08-04. Review status: criteria provided, single submitter. Criteria: Ambry Variant Classification Scheme 2023. Collection method: clinical testing. Allele origin: germline.

CeGaT Center for Human Genetics Tuebingen
Classification: Benign. Last evaluated: 2022-12-01. Review status: criteria provided, single submitter. Criteria: CeGaT Center For Human Genetics Tuebingen Variant Classification Criteria Version 2. Collection method: clinical testing. Allele origin: germline. Affected: yes. Observed: 1 variant allele.
Comment: CSMD1: BP4, BS1, BS2

NM_033225.6(CSMD1):c.5031G>C (p.Leu1677Phe)

Gene: CSMD1 (CUB and Sushi multiple domains 1; minus strand). Cytogenetic location: 8p23.2.
Variant type: single nucleotide variant.
Coding change: c.5031G>C on transcript NM_033225.6 (MANE Select); coding-DNA position 5031, G replaced by C.
Protein change: p.Leu1677Phe; replaces leucine 1677 with phenylalanine.
Molecular consequence: missense variant.
Genome position (GRCh38, 1-based): chr8:3,201,679, C>G on the plus strand (G>C on the coding strand, the complement: CSMD1 is on the minus strand). VCF-style: chr8-3201679-C-G. GRCh37 (hg19) VCF-style: chr8-3059201-C-G.
Other names: c.5031G>C (NM_033225.5); short protein forms L1677F.
Identifiers: ClinVar variation 2658335 (VCV002658335.25), dbSNP rs181980598, ClinGen allele CA4607114.